The following is an entry in ClinVar:

NM_194318.4(B3GLCT):c.686G>A (p.Gly229Asp)

Gene: B3GLCT (beta 3-glucosyltransferase; plus strand). Cytogenetic location: 13q12.3.
Variant type: single nucleotide variant.
Coding change: c.686G>A on transcript NM_194318.4 (MANE Select); coding-DNA position 686, G replaced by A.
Protein change: p.Gly229Asp; replaces glycine 229 with aspartic acid.
Molecular consequence: missense variant.
Genome position (GRCh38, 1-based): chr13:31,274,534, G>A. VCF-style: chr13-31274534-G-A. GRCh37 (hg19) VCF-style: chr13-31848671-G-A.
Other names: short protein forms G229D.
Identifiers: ClinVar variation 3365034 (VCV003365034.3).

ClinVar aggregate classification (germline): Uncertain significance. Review status: criteria provided, multiple submitters, no conflicts (2 of 4 stars). 2 submissions from 2 submitters: Uncertain significance (2). Last evaluated 2025-11-19.

Conditions:
Inborn genetic diseases. Identifiers: MedGen C0950123, MeSH D030342.

gnomAD v4.1: 2 of 1,614,176 alleles (0.00012%); highest among the groups gnomAD compares: Non-Finnish European, 0.00017%; no homozygotes.

Submissions (2):

Ambry Genetics
Classification: Uncertain significance for Inborn genetic diseases. Last evaluated: 2025-11-19. Review status: criteria provided, single submitter. Criteria: Ambry Variant Classification Scheme 2023. Collection method: clinical testing. Allele origin: germline.

GeneDx
Classification: Uncertain significance. Last evaluated: 2025-10-24. Review status: criteria provided, single submitter. Criteria: GeneDx Variant Classification Process June 2021. Collection method: clinical testing. Allele origin: germline.
Comment: Not observed at significant frequency in large population cohorts (gnomAD); In silico analysis supports that this missense variant has a deleterious effect on protein structure/function; Has not been previously published as pathogenic or benign to our knowledge